The following is an entry in ClinVar:

NM_015450.3(POT1):c.499C>T (p.Gln167Ter)

Gene: POT1 (protection of telomeres 1; minus strand). Cytogenetic location: 7q31.33.
Variant type: single nucleotide variant.
Coding change: c.499C>T on transcript NM_015450.3 (MANE Select); coding-DNA position 499, C replaced by T.
Protein change: p.Gln167Ter; replaces glutamine 167 with a stop codon.
Molecular consequence: nonsense. On other transcripts: non-coding transcript variant (3).
Genome position (GRCh38, 1-based): chr7:124,863,397, G>A on the plus strand (C>T on the coding strand, the complement: POT1 is on the minus strand). VCF-style: chr7-124863397-G-A. GRCh37 (hg19) VCF-style: chr7-124503451-G-A.
Other names: c.106C>T, p.Gln36Ter (NM_001042594.2); short protein forms Q36*, Q167*.
Identifiers: ClinVar variation 2459204 (VCV002459204.5), dbSNP rs2485479643, ClinGen allele CA369058844.

ClinVar aggregate classification (germline): Pathogenic. Review status: criteria provided, multiple submitters, no conflicts (2 of 4 stars). 3 submissions from 3 submitters: Pathogenic (3). Last evaluated 2025-12-23.

Conditions:
Tumor predisposition syndrome 3 (TPDS3). Also called: Glioma susceptibility 9; LONG TELOMERE SYNDROME, POT1-RELATED; POT1 Tumor Predisposition; Melanoma, cutaneous malignant, susceptibility to, 10. Identifiers: Orphanet 618, MedGen C4014476, MONDO:0014368, OMIM 615848.
Long telomere syndrome.
Hereditary cancer-predisposing syndrome. Also called: Hereditary neoplastic syndrome; Hereditary Cancer Syndrome; Tumor predisposition; Neoplastic Syndromes, Hereditary. Identifiers: Orphanet 140162, MedGen C0027672, MeSH D009386, MONDO:0015356.

Allele frequency attached by ClinVar (database versions not stated): gnomAD exomes below 0.00001.
gnomAD v4.1: 1 of 1,613,878 alleles (0.000062%); highest among the groups gnomAD compares: Non-Finnish European, 0.000085%; no homozygotes.

Submissions (3):

The Telomere Center at Johns Hopkins, Johns Hopkins University School of Medicine
Classification: Pathogenic for Long Telomere Syndrome. Last evaluated: 2025-12-23. Review status: criteria provided, single submitter. Criteria: Davidson-Swinton et al. (Blood. 2026). Collection method: clinical testing. Allele origin: germline. Affected: yes.

Labcorp Genetics (formerly Invitae), Labcorp
Classification: Pathogenic for Tumor predisposition syndrome 3. Last evaluated: 2025-02-25. Review status: criteria provided, single submitter. Criteria: Invitae Variant Classification Sherloc (09022015). Collection method: clinical testing. Allele origin: germline.
Comment: This sequence change creates a premature translational stop signal (p.Gln167*) in the POT1 gene. It is expected to result in an absent or disrupted protein product. Loss-of-function variants in POT1 are known to be pathogenic (PMID: 32155570). This variant is not present in population databases (gnomAD no frequency). This variant has not been reported in the literature in individuals affected with POT1-related conditions. ClinVar contains an entry for this variant (Variation ID: 2459204). For these reasons, this variant has been classified as Pathogenic.

Ambry Genetics
Classification: Pathogenic for Hereditary cancer-predisposing syndrome. Last evaluated: 2023-02-22. Review status: criteria provided, single submitter. Criteria: Ambry Variant Classification Scheme 2023. Collection method: clinical testing. Allele origin: germline.
Comment: The p.Q167* pathogenic mutation (also known as c.499C>T), located in coding exon 4 of the POT1 gene, results from a C to T substitution at nucleotide position 499. This changes the amino acid from a glutamine to a stop codon within coding exon 4. This variant is considered to be rare based on population cohorts in the Genome Aggregation Database (gnomAD). This alteration is expected to result in loss of function by premature protein truncation or nonsense-mediated mRNA decay. As such, this alteration is interpreted as a disease-causing mutation.

Literature cited by the submitters: PubMed 32155570 (cited by Labcorp Genetics (formerly Invitae), Labcorp).